The following is an entry in ClinVar:

ClinVar aggregate classification (germline): Uncertain significance. Review status: criteria provided, multiple submitters, no conflicts (2 of 4 stars). 4 submissions from 4 submitters: Uncertain significance (4). Last evaluated 2025-06-01.

Conditions:
Immunodeficiency 64. Also called: IMMUNODEFICIENCY 64 WITH LYMPHOPROLIFERATION. Identifiers: Orphanet 664699, MedGen C5231402, MONDO:0032803, OMIM 618534.

Allele frequency attached by ClinVar (database versions not stated): gnomAD 0.00007 and 0.00009; gnomAD exomes 0.00008 and 0.00010; TOPMed 0.00008; ExAC 0.00016.
gnomAD v4.1: 160 of 1,612,462 alleles (0.0099%); highest among the groups gnomAD compares: Non-Finnish European, 0.013%; no homozygotes.

Submissions (4):

CeGaT Center for Human Genetics Tuebingen
Classification: Uncertain significance. Last evaluated: 2025-06-01. Review status: criteria provided, single submitter. Criteria: CeGaT Center For Human Genetics Tuebingen Variant Classification Criteria Version 2. Collection method: clinical testing. Allele origin: germline. Affected: yes. Observed: 1 variant allele.
Comment: RASGRP1: PM2, PP3

Ambry Genetics
Classification: Uncertain significance. Last evaluated: 2025-04-11. Review status: criteria provided, single submitter. Criteria: Ambry Variant Classification Scheme 2023. Collection method: clinical testing. Allele origin: germline.

Labcorp Genetics (formerly Invitae), Labcorp
Classification: Uncertain significance. Last evaluated: 2022-08-03. Review status: criteria provided, single submitter. Criteria: Invitae Variant Classification Sherloc (09022015). Collection method: clinical testing. Allele origin: germline.
Comment: This sequence change replaces tyrosine, which is neutral and polar, with histidine, which is basic and polar, at codon 387 of the RASGRP1 protein (p.Tyr387His). This variant is present in population databases (rs750396457, gnomAD 0.02%). This variant has not been reported in the literature in individuals affected with RASGRP1-related conditions. ClinVar contains an entry for this variant (Variation ID: 1415415). Algorithms developed to predict the effect of missense changes on protein structure and function are either unavailable or do not agree on the potential impact of this missense change (SIFT: "Deleterious"; PolyPhen-2: "Possibly Damaging"; Align-GVGD: "Class C0"). In summary, the available evidence is currently insufficient to determine the role of this variant in disease. Therefore, it has been classified as a Variant of Uncertain Significance.

New York Genome Center
Classification: Uncertain significance for Immunodeficiency 64. Last evaluated: 2022-04-01. Review status: criteria provided, single submitter. Criteria: NYGC Assertion Criteria 2020. Collection method: clinical testing. Allele origin: germline. Observed: 1 heterozygote.

NM_005739.4(RASGRP1):c.1159T>C (p.Tyr387His)

Gene: RASGRP1 (RAS guanyl releasing protein 1; minus strand). Cytogenetic location: 15q14.
Variant type: single nucleotide variant.
Coding change: c.1159T>C on transcript NM_005739.4 (MANE Select); coding-DNA position 1159, T replaced by C.
Protein change: p.Tyr387His; replaces tyrosine 387 with histidine.
Molecular consequence: missense variant.
Genome position (GRCh38, 1-based): chr15:38,507,809, A>G on the plus strand (T>C on the coding strand, the complement: RASGRP1 is on the minus strand). VCF-style: chr15-38507809-A-G. GRCh37 (hg19) VCF-style: chr15-38800010-A-G.
Other names: c.1159T>C, p.Tyr387His (NM_001128602.2, NM_001306086.2); c.1159T>C (NM_005739.3); short protein forms Y387H.
Identifiers: ClinVar variation 1415415 (VCV001415415.15), dbSNP rs750396457, ClinGen allele CA7470951.